The following is an entry in ClinVar:

NM_001276270.2(MBD4):c.106A>G (p.Lys36Glu)

Gene: MBD4 (methyl-CpG binding domain 4, DNA glycosylase; minus strand). Cytogenetic location: 3q21.3.
Variant type: single nucleotide variant.
Coding change: c.106A>G on transcript NM_001276270.2 (MANE Select); coding-DNA position 106, A replaced by G.
Protein change: p.Lys36Glu; replaces lysine 36 with glutamic acid.
Molecular consequence: missense variant.
Genome position (GRCh38, 1-based): chr3:129,437,949, T>C on the plus strand (A>G on the coding strand, the complement: MBD4 is on the minus strand). VCF-style: chr3-129437949-T-C. GRCh37 (hg19) VCF-style: chr3-129156792-T-C.
Other names: c.106A>G, p.Lys36Glu (NM_001276271.2, NM_001276272.2, NM_001276273.2 and 1 more transcripts); short protein forms K36E.
Identifiers: ClinVar variation 2904168 (VCV002904168.5), dbSNP rs757137642, ClinGen allele CA2605603.

ClinVar aggregate classification (germline): Conflicting classifications of pathogenicity. Review status: criteria provided, conflicting classifications (1 of 4 stars). 2 submissions from 2 submitters: Uncertain significance (1); Likely benign (1). Last evaluated 2026-01-28.

Conditions:
Inborn genetic diseases. Identifiers: MedGen C0950123, MeSH D030342.

Allele frequency attached by ClinVar (database versions not stated): TOPMed below 0.00001; ExAC 0.00002.

Submissions (2):

Labcorp Genetics (formerly Invitae), Labcorp
Classification: Uncertain significance. Last evaluated: 2026-01-28. Review status: criteria provided, single submitter. Criteria: Invitae Variant Classification Sherloc (09022015). Collection method: clinical testing. Allele origin: germline.
Comment: This sequence change replaces lysine, which is basic and polar, with glutamic acid, which is acidic and polar, at codon 36 of the MBD4 protein (p.Lys36Glu). This variant is present in population databases (rs757137642, gnomAD 0.004%). This variant has not been reported in the literature in individuals affected with MBD4-related conditions. ClinVar contains an entry for this variant (Variation ID: 2904168). An algorithm developed to predict the effect of missense changes on protein structure and function outputs the following: PolyPhen-2: "Benign". The glutamic acid amino acid residue is found in multiple mammalian species, which suggests that this missense change does not adversely affect protein function. In summary, the available evidence is currently insufficient to determine the role of this variant in disease. Therefore, it has been classified as a Variant of Uncertain Significance.

Ambry Genetics
Classification: Likely benign for Inborn genetic diseases. Last evaluated: 2025-11-25. Review status: criteria provided, single submitter. Criteria: Ambry Variant Classification Scheme 2023. Collection method: clinical testing. Allele origin: germline.